The following is an entry in ClinVar:

NM_198576.4(AGRN):c.3575G>A (p.Arg1192Gln)

Gene: AGRN (agrin; plus strand). Cytogenetic location: 1p36.33.
Variant type: single nucleotide variant.
Coding change: c.3575G>A on transcript NM_198576.4 (MANE Select); coding-DNA position 3575, G replaced by A.
Protein change: p.Arg1192Gln; replaces arginine 1192 with glutamine.
Molecular consequence: missense variant.
Genome position (GRCh38, 1-based): chr1:1,047,631, G>A. VCF-style: chr1-1047631-G-A. GRCh37 (hg19) VCF-style: chr1-983011-G-A.
Other names: c.3575G>A, p.Arg1192Gln (NM_001305275.2); c.3260G>A, p.Arg1087Gln (NM_001364727.2); short protein forms R1192Q, R1087Q.
Identifiers: ClinVar variation 474121 (VCV000474121.9), dbSNP rs200339732, ClinGen allele CA509146.

ClinVar aggregate classification (germline): Uncertain significance. Review status: criteria provided, multiple submitters, no conflicts (2 of 4 stars). 3 submissions from 3 submitters: Uncertain significance (3). Last evaluated 2024-06-17.

Conditions:
Congenital myasthenic syndrome 8. Also called: MYASTHENIC SYNDROME, CONGENITAL, DUE TO AGRIN DEFICIENCY; Myasthenic syndrome, congenital, 8, with pre- and postsynaptic defects. Identifiers: Orphanet 590, MedGen C3808739, MONDO:0014052, OMIM 615120.

Allele frequency attached by ClinVar (database versions not stated): ExAC 0.00033; 1000 Genomes Project 30x 0.00047; gnomAD 0.00054 and 0.00053; ESP Exome Variant Server 0.00054; TOPMed 0.00046; 1000 Genomes Project 0.00060.
gnomAD v4.1: 1,158 of 1,613,046 alleles (0.072%); highest among the groups gnomAD compares: Non-Finnish European, 0.09%; no homozygotes.

Submissions (3):

Revvity Omics, Revvity
Classification: Uncertain significance for Congenital myasthenic syndrome 8. Last evaluated: 2024-06-17. Review status: criteria provided, single submitter. Criteria: ACMG Guidelines, 2015. Collection method: clinical testing. Allele origin: germline.

Labcorp Genetics (formerly Invitae), Labcorp
Classification: Uncertain significance for Congenital myasthenic syndrome 8. Last evaluated: 2022-10-24. Review status: criteria provided, single submitter. Criteria: Invitae Variant Classification Sherloc (09022015). Collection method: clinical testing. Allele origin: germline.
Comment: This sequence change replaces arginine, which is basic and polar, with glutamine, which is neutral and polar, at codon 1192 of the AGRN protein (p.Arg1192Gln). This variant is present in population databases (rs200339732, gnomAD 0.05%). This variant has not been reported in the literature in individuals affected with AGRN-related conditions. ClinVar contains an entry for this variant (Variation ID: 474121). Algorithms developed to predict the effect of missense changes on protein structure and function output the following: SIFT: "Deleterious"; PolyPhen-2: "Benign"; Align-GVGD: "Class C0". The glutamine amino acid residue is found in multiple mammalian species, which suggests that this missense change does not adversely affect protein function. In summary, the available evidence is currently insufficient to determine the role of this variant in disease. Therefore, it has been classified as a Variant of Uncertain Significance.

GeneDx
Classification: Uncertain significance. Last evaluated: 2019-08-11. Review status: criteria provided, single submitter. Criteria: GeneDx Variant Classification Process June 2021. Collection method: clinical testing. Allele origin: germline. Affected: yes.
Comment: In silico analysis, which includes protein predictors and evolutionary conservation, supports that this variant does not alter protein structure/function; Has not been previously published as pathogenic or benign to our knowledge